The following is an entry in ClinVar:

ClinVar aggregate classification (germline): Uncertain significance. Review status: criteria provided, multiple submitters, no conflicts (2 of 4 stars). 4 submissions from 4 submitters: Uncertain significance (3). 1 of the submissions does not count toward it. Last evaluated 2025-05-22.

Conditions:
Hereditary cancer-predisposing syndrome. Also called: Neoplastic Syndromes, Hereditary; Hereditary neoplastic syndrome; Hereditary Cancer Syndrome; Tumor predisposition. Identifiers: Orphanet 140162, MedGen C0027672, MeSH D009386, MONDO:0015356.
Tuberous sclerosis 2 (TSC2). Identifiers: Orphanet 805, MedGen C1860707, MONDO:0013199, OMIM 613254.
Tuberous sclerosis syndrome (TSC). Also called: Tuberous Sclerosis Complex; Tuberous sclerosis. Identifiers: Orphanet 805, MedGen C0041341, MONDO:0001734.

gnomAD v4.1: 1 of 1,612,762 alleles (0.000062%); highest among the groups gnomAD compares: Non-Finnish European, 0.000085%; no homozygotes.

Submissions (4):

Labcorp Genetics (formerly Invitae), Labcorp
Classification: Uncertain significance for Tuberous sclerosis 2. Last evaluated: 2025-05-22. Review status: criteria provided, single submitter. Criteria: Invitae Variant Classification Sherloc (09022015). Collection method: clinical testing. Allele origin: germline.
Comment: This sequence change replaces leucine, which is neutral and non-polar, with phenylalanine, which is neutral and non-polar, at codon 1744 of the TSC2 protein (p.Leu1744Phe). This variant is not present in population databases (gnomAD no frequency). This variant has not been reported in the literature in individuals affected with TSC2-related conditions. ClinVar contains an entry for this variant (Variation ID: 592015). Invitae Evidence Modeling of protein sequence and biophysical properties (such as structural, functional, and spatial information, amino acid conservation, physicochemical variation, residue mobility, and thermodynamic stability) indicates that this missense variant is not expected to disrupt TSC2 protein function with a negative predictive value of 95%. In summary, the available evidence is currently insufficient to determine the role of this variant in disease. Therefore, it has been classified as a Variant of Uncertain Significance.

Ambry Genetics
Classification: Uncertain significance for Hereditary cancer-predisposing syndrome. Last evaluated: 2024-05-08. Review status: criteria provided, single submitter. Criteria: Ambry Variant Classification Scheme 2023. Collection method: clinical testing. Allele origin: germline.
Comment: The p.L1744F variant (also known as c.5230C>T), located in coding exon 40 of the TSC2 gene, results from a C to T substitution at nucleotide position 5230. The leucine at codon 1744 is replaced by phenylalanine, an amino acid with highly similar properties. This amino acid position is highly conserved in available vertebrate species. In addition, this alteration is predicted to be deleterious by in silico analysis. Based on the available evidence, the clinical significance of this variant remains unclear.

All of Us Research Program, National Institutes of Health
Classification: Uncertain significance for Tuberous sclerosis syndrome. Last evaluated: 2024-01-03. Review status: criteria provided, single submitter. Criteria: ACMG Guidelines, 2015. Collection method: clinical testing. Allele origin: germline. Inheritance: Autosomal dominant inheritance. Observed: 1 variant allele, 1 heterozygote.
Comment: This missense variant replaces leucine with phenylalanine at codon 1744 of the TSC2 protein. Computational prediction suggests that this variant may have deleterious impact on protein structure and function (internally defined REVEL score threshold >= 0.7, PMID: 27666373). To our knowledge, functional studies have not been reported for this variant. This variant has not been reported in individuals affected with TSC2-related disorders in the literature. This variant has not been identified in the general population by the Genome Aggregation Database (gnomAD). The available evidence is insufficient to determine the role of this variant in disease conclusively. Therefore, this variant is classified as a Variant of Uncertain Significance.

This study involves interpretation of variants in research participants for the purpose of population health screening. Participant phenotype was not available at the time of variant classification. Additional details can be found in publication PMID: 35346344, PMCID: PMC8962531

Gharavi Laboratory, Columbia University
Classification: Uncertain significance. Last evaluated: 2018-09-16. Review status: no assertion criteria provided. Criteria: ACMG Guidelines, 2015. Collection method: research. Allele origin: germline. Affected: yes. Not counted in ClinVar's aggregate classification.

NM_000548.5(TSC2):c.5230C>T (p.Leu1744Phe)

Gene: TSC2 (TSC complex subunit 2; plus strand). Cytogenetic location: 16p13.3.
Variant type: single nucleotide variant.
Coding change: c.5230C>T on transcript NM_000548.5 (MANE Select); coding-DNA position 5230, C replaced by T.
Protein change: p.Leu1744Phe; replaces leucine 1744 with phenylalanine.
Molecular consequence: missense variant.
Genome position (GRCh38, 1-based): chr16:2,088,296, C>T. VCF-style: chr16-2088296-C-T. GRCh37 (hg19) VCF-style: chr16-2138297-C-T.
Other names: c.5029C>T, p.Leu1677Phe (NM_001077183.3); c.5161C>T, p.Leu1721Phe (NM_001114382.3); c.4921C>T, p.Leu1641Phe (NM_001318827.2); c.4885C>T, p.Leu1629Phe (NM_001318829.2); c.4498C>T, p.Leu1500Phe (NM_001318831.2); c.5062C>T, p.Leu1688Phe (NM_001318832.2); c.5032C>T, p.Leu1678Phe (NM_001363528.2); c.5098C>T, p.Leu1700Phe (NM_001370404.1); and 2 more; short protein forms L1744F, L1629F, L1721F, L1500F, L1701F, L1641F, L1688F, L1697F.
Identifiers: ClinVar variation 592015 (VCV000592015.14), dbSNP rs1567132207, ClinGen allele CA394314566.